The following is an entry in ClinVar:

NM_002076.4(GNS):c.138G>T (p.Arg46Ser)

Gene: GNS (glucosamine (N-acetyl)-6-sulfatase; minus strand). Cytogenetic location: 12q14.3.
Variant type: single nucleotide variant.
Coding change: c.138G>T on transcript NM_002076.4 (MANE Select); coding-DNA position 138, G replaced by T.
Protein change: p.Arg46Ser; replaces arginine 46 with serine.
Molecular consequence: missense variant.
Genome position (GRCh38, 1-based): chr12:64,759,139, C>A on the plus strand (G>T on the coding strand, the complement: GNS is on the minus strand). VCF-style: chr12-64759139-C-A. GRCh37 (hg19) VCF-style: chr12-65152919-C-A.
Other names: short protein forms R46S.
Identifiers: ClinVar variation 2144108 (VCV002144108.1), dbSNP rs750354638, ClinGen allele CA6670044.
Genomic context (GRCh38, chr12:64,759,139, plus strand): 5'-AGTTACCATGCCGCCGAGCACTTCGTCCTGGTCGTCCGTGAGGAGCAGCACCACGTTGGG[C>A]CTCCGGGTTCCCGCAGCCACCCCGAAGACCCCCAGGCAGCCGCCCAGCACCAGCAGTAGC-3'
Protein context (NP_002067.1, residues 36-56): GVFGVAAGTR[Arg46Ser]PNVVLLLTDD

ClinVar aggregate classification (germline): Uncertain significance (1 of 4 stars; one submission).

Conditions:
Mucopolysaccharidosis, MPS-III-D (MPS3D). Also called: N-ACETYLGLUCOSAMINE-6-SULFATASE DEFICIENCY; SANFILIPPO SYNDROME D; MPS III D; Mucopoly-saccharidosis type 3D; N-acetylglucosamine-6-sulfate sulfatase deficiency; MPS 3D. Identifiers: Orphanet 581, Orphanet 79272, MedGen C0086650, MONDO:0009658, OMIM 252940.

Allele frequency attached by ClinVar (database versions not stated): TOPMed 0.00002; gnomAD 0.00001; ExAC 0.00005.

Submission:

Labcorp Genetics (formerly Invitae), Labcorp
Classification: Uncertain significance for Mucopolysaccharidosis, MPS-III-D. Last evaluated: 2022-10-05. Review status: criteria provided, single submitter. Criteria: Invitae Variant Classification Sherloc (09022015). Collection method: clinical testing. Allele origin: germline.
Comment: This sequence change replaces arginine, which is basic and polar, with serine, which is neutral and polar, at codon 46 of the GNS protein (p.Arg46Ser). This variant is not present in population databases (gnomAD no frequency). This variant has not been reported in the literature in individuals affected with GNS-related conditions. Advanced modeling of protein sequence and biophysical properties (such as structural, functional, and spatial information, amino acid conservation, physicochemical variation, residue mobility, and thermodynamic stability) performed at Invitae indicates that this missense variant is not expected to disrupt GNS protein function. In summary, the available evidence is currently insufficient to determine the role of this variant in disease. Therefore, it has been classified as a Variant of Uncertain Significance.